The following is an entry in ClinVar:

NM_000245.4(MET):c.2334T>C (p.Asn778=)

Gene: MET (MET proto-oncogene, receptor tyrosine kinase; plus strand). Cytogenetic location: 7q31.2.
Variant type: single nucleotide variant.
Coding change: c.2334T>C on transcript NM_000245.4 (MANE Select); coding-DNA position 2334, T replaced by C.
Protein change: p.Asn778=; no amino-acid change (asparagine 778 retained).
Molecular consequence: synonymous variant.
Genome position (GRCh38, 1-based): chr7:116,759,460, T>C. VCF-style: chr7-116759460-T-C. GRCh37 (hg19) VCF-style: chr7-116399514-T-C.
Other names: c.2388T>C, p.Asn796= (NM_001127500.3); c.2334T>C, p.Asn778= (NM_001324401.3); c.1044T>C, p.Asn348= (NM_001324402.2).
Identifiers: ClinVar variation 3699202 (VCV003699202.3).
Genomic context (GRCh38, chr7:116,759,460, plus strand): 5'-CACAATAACAGGTGTTGGGAAAAACCTGAATTCAGTTAGTGTCCCGAGAATGGTCATAAA[T>C]GTGCATGAAGCAGGAAGGAACTTTACAGTGGTAAGTCCTTTGAGCAATGGTTCTACTCAG-3'
Protein context (NP_000236.2, residues 768-788): NSVSVPRMVI[Asn778=]VHEAGRNFTV

ClinVar aggregate classification (germline): Benign/Likely benign. Review status: criteria provided, multiple submitters, no conflicts (2 of 4 stars). 2 submissions from 2 submitters: Benign (1); Likely benign (1). Last evaluated 2024-11-11.

Conditions:
Renal cell carcinoma. Identifiers: Orphanet 217071, MedGen C0007134, MeSH D002292, MONDO:0005086, HP:0005584.
Papillary renal cell carcinoma type 1 (RCCP1). Also called: RENAL CELL CARCINOMA, PAPILLARY, 1, SOMATIC; Renal cell carcinoma, somatic; Renal adenocarcinoma; Renal cell carcinoma 1. Identifiers: Orphanet 47044, MedGen C1336839, OMIM 605074, HP:0011797.

Submissions (2):

Myriad Genetics, Inc.
Classification: Benign for Papillary renal cell carcinoma type 1. Last evaluated: 2024-11-11. Review status: criteria provided, single submitter. Criteria: Myriad Autosomal Dominant, Autosomal Recessive and X-Linked Classification Criteria (2023). Collection method: clinical testing. Allele origin: unknown.
Comment: This variant is considered benign. This variant is a silent/synonymous amino acid change and it is not expected to impact splicing.

Labcorp Genetics (formerly Invitae), Labcorp
Classification: Likely benign for Renal cell carcinoma. Last evaluated: 2024-10-09. Review status: criteria provided, single submitter. Criteria: Invitae Variant Classification Sherloc (09022015). Collection method: clinical testing. Allele origin: germline.